The following is an entry in ClinVar:

ClinVar aggregate classification (germline): Benign/Likely benign. Review status: criteria provided, multiple submitters, no conflicts (2 of 4 stars). 10 submissions from 10 submitters: Benign (4); Likely benign (3). 3 of the submissions do not count toward it. Last evaluated 2025-12-08.

Conditions:
Cowden syndrome 5 (CWS5). Identifiers: Orphanet 201, MedGen C3554518, MONDO:0014047, OMIM 615108.
Inborn genetic diseases. Identifiers: MedGen C0950123, MeSH D030342.
Cowden syndrome (CS). Also called: Cowden's disease; Cowden's syndrome; Cowden disease. Identifiers: Orphanet 201, MedGen C0018553, MONDO:0016063. Disease mechanism: gain of function.

Allele frequency attached by ClinVar (database versions not stated): gnomAD exomes 0.00036 and 0.00078; ExAC 0.00110; ESP Exome Variant Server 0.00247; 1000 Genomes Project 0.00300; 1000 Genomes Project 30x 0.00312; gnomAD 0.00377 and 0.00404; TOPMed 0.00414.
gnomAD v4.1: 1,115 of 1,603,252 alleles (0.07%); highest among the groups gnomAD compares: African/African-American, 1.4%; 14 homozygotes.

Submissions (10):

Labcorp Genetics (formerly Invitae), Labcorp
Classification: Benign for Cowden syndrome. Last evaluated: 2025-12-08. Review status: criteria provided, single submitter. Criteria: Invitae Variant Classification Sherloc (09022015). Collection method: clinical testing. Allele origin: germline.

CeGaT Center for Human Genetics Tuebingen
Classification: Benign. Last evaluated: 2025-12-01. Review status: criteria provided, single submitter. Criteria: CeGaT Center For Human Genetics Tuebingen Variant Classification Criteria Version 2. Collection method: clinical testing. Allele origin: germline. Affected: yes. Observed: 2 variant alleles.
Comment: PIK3CA: BP4, BP7, BS1, BS2

KCCC/NGS Laboratory, Kuwait Cancer Control Center
Classification: Benign for Cowden syndrome 5. Last evaluated: 2025-02-01. Review status: criteria provided, single submitter. Criteria: ACMG Guidelines, 2015. Collection method: clinical testing. Allele origin: germline. Affected: no.

Blueprint Genetics
Classification: Likely benign. Last evaluated: 2024-11-13. Review status: criteria provided, single submitter. Criteria: ACMG Guidelines, 2015. Collection method: clinical testing. Allele origin: germline.

ARUP Laboratories, Molecular Genetics and Genomics, ARUP Laboratories
Classification: Benign. Last evaluated: 2023-11-06. Review status: criteria provided, single submitter. Criteria: ARUP Molecular Germline Variant Investigation Process 2024. Collection method: clinical testing. Allele origin: germline.

Ambry Genetics
Classification: Likely benign for Inborn genetic diseases. Last evaluated: 2022-02-12. Review status: criteria provided, single submitter. Criteria: Ambry Variant Classification Scheme 2023. Collection method: clinical testing. Allele origin: germline.

GeneDx
Classification: Likely benign. Last evaluated: 2020-12-31. Review status: criteria provided, single submitter. Criteria: GeneDx Variant Classification Process June 2021. Collection method: clinical testing. Allele origin: germline. Affected: yes.

Clinical Genetics DNA and cytogenetics Diagnostics Lab, Erasmus MC, Erasmus Medical Center
Classification: Likely benign. Review status: no assertion criteria provided. Collection method: clinical testing. Allele origin: germline. Affected: yes. Study: VKGL Data-share Consensus. Not counted in ClinVar's aggregate classification.

Genome Diagnostics Laboratory, Amsterdam University Medical Center
Classification: Benign. Review status: no assertion criteria provided. Collection method: clinical testing. Allele origin: germline. Affected: yes. Study: VKGL Data-share Consensus. Not counted in ClinVar's aggregate classification.

Laboratory of Diagnostic Genome Analysis, Leiden University Medical Center (LUMC)
Classification: Likely benign. Review status: no assertion criteria provided. Collection method: clinical testing. Allele origin: germline. Affected: yes. Study: VKGL Data-share Consensus. Not counted in ClinVar's aggregate classification.

NM_006218.4(PIK3CA):c.2298T>G (p.Leu766=)

Gene: PIK3CA (phosphatidylinositol-4,5-bisphosphate 3-kinase catalytic subunit alpha; plus strand). Cytogenetic location: 3q26.32.
Variant type: single nucleotide variant.
Coding change: c.2298T>G on transcript NM_006218.4 (MANE Select); coding-DNA position 2298, T replaced by G.
Protein change: p.Leu766=; no amino-acid change (leucine 766 retained).
Molecular consequence: synonymous variant.
Genome position (GRCh38, 1-based): chr3:179,224,703, T>G. VCF-style: chr3-179224703-T-G. GRCh37 (hg19) VCF-style: chr3-178942491-T-G.
Other names: c.2298T>G (LRG_310t1, NM_006218.3).
Identifiers: ClinVar variation 246686 (VCV000246686.30), dbSNP rs116164892, ClinGen allele CA2710937.